The following is an entry in ClinVar:

NM_015910.7(WDPCP):c.728C>T (p.Pro243Leu)

Gene: WDPCP (WD repeat containing planar cell polarity effector; minus strand). Cytogenetic location: 2p15.
Variant type: single nucleotide variant.
Coding change: c.728C>T on transcript NM_015910.7 (MANE Select); coding-DNA position 728, C replaced by T.
Protein change: p.Pro243Leu; replaces proline 243 with leucine.
Molecular consequence: missense variant. On other transcripts: non-coding transcript variant (3).
Genome position (GRCh38, 1-based): chr2:63,433,842, G>A on the plus strand (C>T on the coding strand, the complement: WDPCP is on the minus strand). VCF-style: chr2-63433842-G-A. GRCh37 (hg19) VCF-style: chr2-63660976-G-A.
Other names: c.251C>T, p.Pro84Leu (NM_001042692.3); c.656C>T, p.Pro219Leu (NM_001354044.2); c.728C>T, p.Pro243Leu (NM_001354045.2); short protein forms P219L, P243L, P84L.
Identifiers: ClinVar variation 957475 (VCV000957475.15), dbSNP rs368933340, ClinGen allele CA1682364.

ClinVar aggregate classification (germline): Conflicting classifications of pathogenicity. Review status: criteria provided, conflicting classifications (1 of 4 stars). 3 submissions from 3 submitters: Uncertain significance (2); Likely benign (1). Last evaluated 2026-04-27.

Conditions:
Inborn genetic diseases. Identifiers: MedGen C0950123, MeSH D030342.
WDPCP-related disorder. Also called: WDPCP-related condition.
Bardet-Biedl syndrome (BBS). Identifiers: Orphanet 110, MedGen C0752166, MONDO:0015229.

Allele frequency attached by ClinVar (database versions not stated): gnomAD exomes 0.00001 and 0.00004; ExAC 0.00003; ESP Exome Variant Server 0.00008; gnomAD 0.00011 and 0.00013; TOPMed 0.00021; 1000 Genomes Project 0.00040; 1000 Genomes Project 30x 0.00047.
gnomAD v4.1: 34 of 1,613,940 alleles (0.0021%); highest among the groups gnomAD compares: African/African-American, 0.04%; no homozygotes.

Submissions (3):

PreventionGenetics, part of Exact Sciences
Classification: Uncertain significance for WDPCP-related condition. Last evaluated: 2026-04-27. Review status: criteria provided, single submitter. Criteria: ACMG Guidelines, 2015. Collection method: clinical testing. Allele origin: germline.
Comment: The WDPCP c.728C>T variant is predicted to result in the amino acid substitution p.Pro243Leu. To our knowledge, this variant has not been reported in the literature. This variant is reported in 0.054% of alleles in individuals of African descent in gnomAD, which may be too frequent for an unreported disease-associated variant. Although we suspect that this variant may be benign, at this time, the clinical significance of this variant is uncertain due to the absence of conclusive functional and genetic evidence.

Labcorp Genetics (formerly Invitae), Labcorp
Classification: Uncertain significance for Bardet-Biedl syndrome. Last evaluated: 2025-01-06. Review status: criteria provided, single submitter. Criteria: Invitae Variant Classification Sherloc (09022015). Collection method: clinical testing. Allele origin: germline.
Comment: This sequence change replaces proline, which is neutral and non-polar, with leucine, which is neutral and non-polar, at codon 243 of the WDPCP protein (p.Pro243Leu). This variant is present in population databases (rs368933340, gnomAD 0.05%). This variant has not been reported in the literature in individuals affected with WDPCP-related conditions. ClinVar contains an entry for this variant (Variation ID: 957475). Invitae Evidence Modeling of protein sequence and biophysical properties (such as structural, functional, and spatial information, amino acid conservation, physicochemical variation, residue mobility, and thermodynamic stability) indicates that this missense variant is not expected to disrupt WDPCP protein function with a negative predictive value of 80%. In summary, the available evidence is currently insufficient to determine the role of this variant in disease. Therefore, it has been classified as a Variant of Uncertain Significance.

Ambry Genetics
Classification: Likely benign for Inborn genetic diseases. Last evaluated: 2022-05-25. Review status: criteria provided, single submitter. Criteria: Ambry Variant Classification Scheme 2023. Collection method: clinical testing. Allele origin: germline.